The following is an entry in ClinVar:

NM_182641.4(BPTF):c.943A>C (p.Asn315His)

Gene: BPTF (bromodomain PHD finger transcription factor; plus strand). Cytogenetic location: 17q24.2.
Variant type: single nucleotide variant.
Coding change: c.943A>C on transcript NM_182641.4 (MANE Select); coding-DNA position 943, A replaced by C.
Protein change: p.Asn315His; replaces asparagine 315 with histidine.
Molecular consequence: missense variant.
Genome position (GRCh38, 1-based): chr17:67,854,269, A>C. VCF-style: chr17-67854269-A-C. GRCh37 (hg19) VCF-style: chr17-65850385-A-C.
Other names: c.943A>C, p.Asn315His (NM_004459.7); short protein forms N315H.
Identifiers: ClinVar variation 3766039 (VCV003766039.1).
Genomic context (GRCh38, chr17:67,854,269, plus strand): 5'-CTGCGTGAAGAAGACACTTCCAATACTACCTTTGGACCTGCTGATCTGAAAGATAGCGTT[A>C]ATTCCACACTGTATTTCATAGATGGGATGACGTGGCCAGAGGTGCTGCGGGTGTACTGTG-3'
Protein context (NP_872579.2, residues 305-325): FGPADLKDSV[Asn315His]STLYFIDGMT

ClinVar aggregate classification (germline): Uncertain significance (1 of 4 stars; one submission).

Submission:

GeneDx
Classification: Uncertain significance. Last evaluated: 2024-09-03. Review status: criteria provided, single submitter. Criteria: GeneDx Variant Classification Process June 2021. Collection method: clinical testing. Allele origin: germline. Affected: yes.
Comment: Not observed at significant frequency in large population cohorts (gnomAD); In silico analysis supports that this missense variant has a deleterious effect on protein structure/function; Has not been previously published as pathogenic or benign to our knowledge